The following is an entry in ClinVar:

ClinVar aggregate classification (germline): Uncertain significance (1 of 4 stars; one submission).

Submission:

Ambry Genetics
Classification: Uncertain significance. Last evaluated: 2024-05-09. Review status: criteria provided, single submitter. Criteria: Ambry Variant Classification Scheme 2023. Collection method: clinical testing. Allele origin: germline.
Comment: The p.A2046V variant (also known as c.6137C>T), located in coding exon 19 of the POLQ gene, results from a C to T substitution at nucleotide position 6137. The alanine at codon 2046 is replaced by valine, an amino acid with similar properties. This amino acid position is conserved. In addition, the in silico prediction for this alteration is inconclusive. Based on the available evidence, the clinical significance of this variant remains unclear.

NM_199420.4(POLQ):c.6137C>T (p.Ala2046Val)

Gene: POLQ (DNA polymerase theta; minus strand). Cytogenetic location: 3q13.33.
Variant type: single nucleotide variant.
Coding change: c.6137C>T on transcript NM_199420.4 (MANE Select); coding-DNA position 6137, C replaced by T.
Protein change: p.Ala2046Val; replaces alanine 2046 with valine.
Molecular consequence: missense variant.
Genome position (GRCh38, 1-based): chr3:121,481,646, G>A on the plus strand (C>T on the coding strand, the complement: POLQ is on the minus strand). VCF-style: chr3-121481646-G-A. GRCh37 (hg19) VCF-style: chr3-121200493-G-A.
Other names: short protein forms A2046V.
Identifiers: ClinVar variation 3308678 (VCV003308678.1).
Genomic context (GRCh38, chr3:121,481,646, plus strand): 5'-TTCTGCAACAAAGAGTTGAGCTGATTCATAGAGTTGAAGATGAGAATGGACTCCACAGAT[G>A]CTCTGTATCGCCCAGAATGCTCACTGCCAGCATTTAGCCCCAGGCTTTGAATCCCTTGGC-3'
Protein context (NP_955452.3, residues 2036-2056): AGSEHSGRYR[Ala2046Val]SVESILIFNS